The following is an entry in ClinVar:

NM_001012426.2(FOXP4):c.105_106del (p.Gly36fs)

Gene: FOXP4 (forkhead box P4; plus strand). Cytogenetic location: 6p21.1.
Variant type: Deletion.
Coding change: c.105_106del on transcript NM_001012426.2 (MANE Select); coding-DNA positions 105 to 106, 2 bases deleted (AG; older notation c.105_106delAG).
Protein change: p.Gly36fs; shifts the reading frame from glycine 36.
Molecular consequence: frameshift variant.
Genome position (GRCh38, 1-based): chr6:41,565,865-41,565,866, AG deleted. VCF-style (leftmost placement, unchanged base first): chr6-41565864-CAG-C. GRCh37 (hg19) VCF-style: chr6-41533602-CAG-C.
Other names: c.105_106del, p.Gly36fs (NM_001012427.2, NM_001405824.1, NM_001405825.1 and 2 more transcripts); short protein forms G36fs.
Identifiers: ClinVar variation 4293192 (VCV004293192.1).

ClinVar aggregate classification (germline): Uncertain significance (1 of 4 stars; one submission).

Conditions:
FOXP4-related disorder. Also called: FOXP4-related condition.

Submission:

3billion
Classification: Uncertain significance for FOXP4-related disorder. Last evaluated: 2024-12-09. Review status: criteria provided, single submitter. Criteria: ACMG Guidelines, 2015. Collection method: clinical testing. Allele origin: germline. Affected: yes.
Comment: The variant is not observed in the gnomAD v4.1.0 dataset. Predicted Consequence/Location: Frameshift: predicted to result in a loss or disruption of normal protein function through nonsense-mediated decay (NMD) or protein truncation. Multiple pathogenic variants are reported downstream of the variant. Therefore, this variant is classified as VUS according to the recommendation of ACMG/AMP guideline.